The following is an entry in ClinVar:

NM_006766.5(KAT6A):c.279T>C (p.Asn93=)

Gene: KAT6A (lysine acetyltransferase 6A; minus strand). Cytogenetic location: 8p11.21.
Variant type: single nucleotide variant.
Coding change: c.279T>C on transcript NM_006766.5 (MANE Select); coding-DNA position 279, T replaced by C.
Protein change: p.Asn93=; no amino-acid change (asparagine 93 retained).
Molecular consequence: synonymous variant.
Genome position (GRCh38, 1-based): chr8:42,048,699, A>G on the plus strand (T>C on the coding strand, the complement: KAT6A is on the minus strand). VCF-style: chr8-42048699-A-G. GRCh37 (hg19) VCF-style: chr8-41906217-A-G.
Other names: c.279T>C, p.Asn93= (NM_001305878.2).
Identifiers: ClinVar variation 2658580 (VCV002658580.24), dbSNP rs2487061700, ClinGen allele CA460790560.
Genomic context (GRCh38, chr8:42,048,699, plus strand): 5'-AGACTCTGCCAAGCCCTCAACTGCCCGCTTTATCAGTTTATTCCAATCCACATTTTGTTT[A>G]TTATCCAATTTTCCATGGTTCCGAGGCTTAGGAAGTGCTATTCGCCCAGGATTATCAGGA-3'
Protein context (NP_006757.2, residues 83-103): PKPRNHGKLD[Asn93=]KQNVDWNKLI

ClinVar aggregate classification (germline): Likely benign (1 of 4 stars; one submission).

Allele frequency attached by ClinVar (database versions not stated): gnomAD exomes below 0.00001.
gnomAD v4.1: 3 of 1,614,178 alleles (0.00019%); highest among the groups gnomAD compares: Non-Finnish European, 0.00025%; no homozygotes.

Submission:

CeGaT Center for Human Genetics Tuebingen
Classification: Likely benign. Last evaluated: 2023-08-01. Review status: criteria provided, single submitter. Criteria: CeGaT Center For Human Genetics Tuebingen Variant Classification Criteria Version 2. Collection method: clinical testing. Allele origin: germline. Affected: yes. Observed: 1 variant allele.
Comment: KAT6A: PM2:Supporting, BP4, BP7